The following is an entry in ClinVar:

NM_001148.6(ANK2):c.10330G>A (p.Val3444Ile)

Gene: ANK2 (ankyrin 2; plus strand). Cytogenetic location: 4q26.
Variant type: single nucleotide variant.
Coding change: c.10330G>A on transcript NM_001148.6 (MANE Select); coding-DNA position 10330, G replaced by A.
Protein change: p.Val3444Ile; replaces valine 3444 with isoleucine.
Molecular consequence: missense variant. On other transcripts: intron variant (68).
Genome position (GRCh38, 1-based): chr4:113,358,948, G>A. VCF-style: chr4-113358948-G-A. GRCh37 (hg19) VCF-style: chr4-114280104-G-A.
Other names: c.10096G>A, p.Val3366Ile (NM_001386142.1); c.6730G>A, p.Val2244Ile (NM_001386166.1); c.10471G>A, p.Val3491Ile (NM_001386174.1); c.10447G>A, p.Val3483Ile (NM_001386175.1); c.4412-1875G>A (NM_001386186.2, NM_001386148.2); c.4214-1875G>A (NM_001354269.3); c.4292-1875G>A (NM_001386187.2); c.4253-1875G>A (NM_001386147.1); and 35 more; short protein forms V3444I, V2244I, V3366I, V3483I, V3491I.
Identifiers: ClinVar variation 972431 (VCV000972431.8), dbSNP rs377186833, ClinGen allele CA3052057.

ClinVar aggregate classification (germline): Uncertain significance. Review status: criteria provided, multiple submitters, no conflicts (2 of 4 stars). 2 submissions from 2 submitters: Uncertain significance (2). Last evaluated 2025-01-16.

Conditions:
Cardiovascular phenotype. Identifiers: MedGen CN230736.
Long QT syndrome (LQTS). Identifiers: MedGen C0023976, MeSH D008133, MONDO:0002442. Disease mechanism: loss of function. Inheritance: Various modes of inheritance.

Allele frequency attached by ClinVar (database versions not stated): gnomAD exomes below 0.00001 and 0.00001; ExAC 0.00002; gnomAD 0.00003 and 0.00004; TOPMed 0.00003; ESP Exome Variant Server 0.00008.
gnomAD v4.1: 10 of 1,613,876 alleles (0.00062%); highest among the groups gnomAD compares: African/African-American, 0.008%; no homozygotes.

Submissions (2):

Ambry Genetics
Classification: Uncertain significance for Cardiovascular phenotype. Last evaluated: 2025-01-16. Review status: criteria provided, single submitter. Criteria: Ambry Variant Classification Scheme 2023. Collection method: clinical testing. Allele origin: germline.
Comment: The p.V3444I variant (also known as c.10330G>A), located in coding exon 38 of the ANK2 gene, results from a G to A substitution at nucleotide position 10330. The valine at codon 3444 is replaced by isoleucine, an amino acid with highly similar properties. This amino acid position is conserved. In addition, the in silico prediction for this alteration is inconclusive. Based on the available evidence, the clinical significance of this variant remains unclear.

Labcorp Genetics (formerly Invitae), Labcorp
Classification: Uncertain significance for Long QT syndrome. Last evaluated: 2024-04-09. Review status: criteria provided, single submitter. Criteria: Invitae Variant Classification Sherloc (09022015). Collection method: clinical testing. Allele origin: germline.
Comment: This sequence change replaces valine, which is neutral and non-polar, with isoleucine, which is neutral and non-polar, at codon 3444 of the ANK2 protein (p.Val3444Ile). This variant is present in population databases (rs377186833, gnomAD 0.01%). This variant has not been reported in the literature in individuals affected with ANK2-related conditions. ClinVar contains an entry for this variant (Variation ID: 972431). An algorithm developed to predict the effect of missense changes on protein structure and function (PolyPhen-2) suggests that this variant is likely to be tolerated. In summary, the available evidence is currently insufficient to determine the role of this variant in disease. Therefore, it has been classified as a Variant of Uncertain Significance.